The following is an entry in ClinVar:

NM_004525.3(LRP2):c.3494C>T (p.Ser1165Leu)

Gene: LRP2 (LDL receptor related protein 2; minus strand). Cytogenetic location: 2q31.1.
Variant type: single nucleotide variant.
Coding change: c.3494C>T on transcript NM_004525.3 (MANE Select); coding-DNA position 3494, C replaced by T.
Protein change: p.Ser1165Leu; replaces serine 1165 with leucine.
Molecular consequence: missense variant.
Genome position (GRCh38, 1-based): chr2:169,243,459, G>A on the plus strand (C>T on the coding strand, the complement: LRP2 is on the minus strand). VCF-style: chr2-169243459-G-A. GRCh37 (hg19) VCF-style: chr2-170099969-G-A.
Other names: c.3494C>T (NM_004525.2); short protein forms S1165L.
Identifiers: ClinVar variation 808884 (VCV000808884.45), dbSNP rs758407766, ClinGen allele CA1955016.

ClinVar aggregate classification (germline): Uncertain significance. Review status: criteria provided, multiple submitters, no conflicts (2 of 4 stars). 3 submissions from 3 submitters: Uncertain significance (3). Last evaluated 2025-12-04.

Conditions:
Inborn genetic diseases. Identifiers: MedGen C0950123, MeSH D030342.

Allele frequency attached by ClinVar (database versions not stated): TOPMed below 0.00001; ExAC 0.00002; gnomAD exomes 0.00002 and 0.00003.
gnomAD v4.1: 48 of 1,614,070 alleles (0.003%); highest among the groups gnomAD compares: Middle Eastern, 0.016%; no homozygotes.

Submissions (3):

Ambry Genetics
Classification: Uncertain significance for Inborn genetic diseases. Last evaluated: 2025-12-04. Review status: criteria provided, single submitter. Criteria: Ambry Variant Classification Scheme 2023. Collection method: clinical testing. Allele origin: germline.

Labcorp Genetics (formerly Invitae), Labcorp
Classification: Uncertain significance. Last evaluated: 2021-08-24. Review status: criteria provided, single submitter. Criteria: Invitae Variant Classification Sherloc (09022015). Collection method: clinical testing. Allele origin: germline.
Comment: This sequence change replaces serine with leucine at codon 1165 of the LRP2 protein (p.Ser1165Leu). The serine residue is moderately conserved and there is a large physicochemical difference between serine and leucine. This variant is present in population databases (rs758407766, ExAC 0.006%). This variant has not been reported in the literature in individuals affected with LRP2-related conditions. ClinVar contains an entry for this variant (Variation ID: 808884). Advanced modeling of protein sequence and biophysical properties (such as structural, functional, and spatial information, amino acid conservation, physicochemical variation, residue mobility, and thermodynamic stability) performed at Invitae indicates that this missense variant is not expected to disrupt LRP2 protein function. In summary, the available evidence is currently insufficient to determine the role of this variant in disease. Therefore, it has been classified as a Variant of Uncertain Significance.

CeGaT Center for Human Genetics Tuebingen
Classification: Uncertain significance. Last evaluated: 2019-04-01. Review status: criteria provided, single submitter. Criteria: CeGaT Center For Human Genetics Tuebingen Variant Classification Criteria Version 2. Collection method: clinical testing. Allele origin: germline. Affected: yes. Observed: 1 variant allele.